The following is an entry in ClinVar:

NM_002691.4(POLD1):c.589A>C (p.Ser197Arg)

Gene: POLD1 (DNA polymerase delta 1, catalytic subunit; plus strand). Cytogenetic location: 19q13.33.
Variant type: single nucleotide variant.
Coding change: c.589A>C on transcript NM_002691.4 (MANE Select); coding-DNA position 589, A replaced by C.
Protein change: p.Ser197Arg; replaces serine 197 with arginine.
Molecular consequence: missense variant. On other transcripts: non-coding transcript variant (1).
Genome position (GRCh38, 1-based): chr19:50,402,124, A>C. VCF-style: chr19-50402124-A-C. GRCh37 (hg19) VCF-style: chr19-50905381-A-C.
Other names: c.589A>C, p.Ser197Arg (NM_001256849.1, NM_001308632.1); c.589A>C (NM_002691.2); short protein forms S197R.
Identifiers: ClinVar variation 537130 (VCV000537130.13), dbSNP rs1040524947, ClinGen allele CA309599399.

ClinVar aggregate classification (germline): Conflicting classifications of pathogenicity. Review status: criteria provided, conflicting classifications (1 of 4 stars). 4 submissions from 4 submitters: Uncertain significance (3); Likely benign (1). Last evaluated 2025-11-09.

Conditions:
Hereditary cancer-predisposing syndrome. Also called: Tumor predisposition; Neoplastic Syndromes, Hereditary; Hereditary Cancer Syndrome; Hereditary neoplastic syndrome. Identifiers: Orphanet 140162, MedGen C0027672, MeSH D009386, MONDO:0015356.
POLD1-related polyposis and colorectal cancer syndrome (CRCS10). Also called: Colorectal cancer 10; COLORECTAL CANCER, SUSCEPTIBILITY TO, ON CHROMOSOME 19q; Colorectal cancer, susceptibility to, 10. Identifiers: Orphanet 220460, MedGen C2675481, MONDO:0012953, OMIM 612591.
Familial colorectal cancer. Identifiers: MedGen CN280943, MONDO:0023113. Disease mechanism: loss of function.

Allele frequency attached by ClinVar (database versions not stated): gnomAD exomes below 0.00001; gnomAD 0.00002; TOPMed 0.00002.
gnomAD v4.1: 6 of 1,609,898 alleles (0.00037%); highest among the groups gnomAD compares: Non-Finnish European, 0.00051%; no homozygotes.

Submissions (4):

Labcorp Genetics (formerly Invitae), Labcorp
Classification: Uncertain significance for POLD1-related polyposis and colorectal cancer syndrome. Last evaluated: 2025-11-09. Review status: criteria provided, single submitter. Criteria: Invitae Variant Classification Sherloc (09022015). Collection method: clinical testing. Allele origin: germline.
Comment: This sequence change replaces serine, which is neutral and polar, with arginine, which is basic and polar, at codon 197 of the POLD1 protein (p.Ser197Arg). This variant is present in population databases (no rsID available, gnomAD 0.007%). This missense change has been observed in individual(s) with colon polyps and breast cancer (PMID: 30374176). ClinVar contains an entry for this variant (Variation ID: 537130). An algorithm developed to predict the effect of missense changes on protein structure and function (PolyPhen-2) suggests that this variant is likely to be tolerated. In summary, the available evidence is currently insufficient to determine the role of this variant in disease. Therefore, it has been classified as a Variant of Uncertain Significance.

Ambry Genetics
Classification: Uncertain significance for Hereditary cancer-predisposing syndrome. Last evaluated: 2024-12-30. Review status: criteria provided, single submitter. Criteria: Ambry Variant Classification Scheme 2023. Collection method: clinical testing. Allele origin: germline.
Comment: The p.S197R variant (also known as c.589A>C), located in coding exon 4 of the POLD1 gene, results from an A to C substitution at nucleotide position 589. The serine at codon 197 is replaced by arginine, an amino acid with dissimilar properties. This amino acid position is well conserved in available vertebrate species. In addition, this alteration is predicted to be tolerated by in silico analysis. Based on the available evidence, the clinical significance of this variant remains unclear.

GeneDx
Classification: Uncertain significance. Last evaluated: 2023-12-22. Review status: criteria provided, single submitter. Criteria: GeneDx Variant Classification Process June 2021. Collection method: clinical testing. Allele origin: germline. Affected: yes.
Comment: Not observed at significant frequency in large population cohorts (gnomAD); In silico analysis supports that this missense variant has a deleterious effect on protein structure/function; Observed in co-occurrence with a damaging CHEK2 variant in an individual with colon polyps who had a family history of breast and other cancers; however, the damaging CHEK2 variant was also identified in an individual in this family with early-onset breast cancer (PMID: 30374176); This variant is associated with the following publications: (PMID: 30374176)

University of Washington Department of Laboratory Medicine, University of Washington
Classification: Likely benign for Familial colorectal cancer. Last evaluated: 2018-05-09. Review status: criteria provided, single submitter. Criteria: Tsai GJ et al. (Genet Med 2018). Collection method: research. Allele origin: germline. Inheritance: Autosomal dominant inheritance. Affected: yes.
Comment: The POLD1 variant designated as NM_002878.3:c.394G>A (p.Val132Ile) is classified as likely benign. In one observed family, a family with the variant had colon polyps that did not show the molecular ultramutation phenotype that is the signature of pathogenic POLD1 mutations (Briggs et al, 2013, PMID: 23447401). This variant is not in the POLD1 exonuclease domain and is unlikely to cause increased cancer risk, as only POLD1 variants that alter exonuclease activity have been documented to be associated with colon and endometrial cancer risk. Additionally, in the same family, in the POLD1 variant often co-occurs with a likely-pathogenic mutation in the CHEK2 gene (p.R145W). Bayesian analysis integrating all of this data (Tavtigian et al, 2018, PMID:29300386) gives about 1% probability of pathogenicity, which is consistent with a classification of likely benign. This variant is not predicted to alter POLD1 function or modify cancer risk. A modest (less than 2 fold) increase in cancer risk due to this variant cannot be entirely excluded. This analysis was performed in conjunction with the family studies project as part of the University of Washington Find My Variant Study.

Literature cited by the submitters: PubMed 30374176 (cited by Labcorp Genetics (formerly Invitae), Labcorp).